The following is an entry in ClinVar:

NM_001365308.1(BMPER):c.*1605C>T

Gene: BMPER (BMP binding endothelial regulator; plus strand). Cytogenetic location: 7p14.3.
Variant type: single nucleotide variant.
Coding change: c.*1605C>T on transcript NM_001365308.1 (MANE Select); 1605 bases downstream of the stop codon, C replaced by T.
Molecular consequence: 3 prime UTR variant.
Genome position (GRCh38, 1-based): chr7:34,154,878, C>T. VCF-style: chr7-34154878-C-T. GRCh37 (hg19) VCF-style: chr7-34194490-C-T.
Other names: c.*1605C>T (NM_133468.5).
Identifiers: ClinVar variation 911252 (VCV000911252.4), dbSNP rs138630544, ClinGen allele CA156273877.

ClinVar aggregate classification (germline): Likely benign (1 of 4 stars; one submission).

Conditions:
Diaphanospondylodysostosis. Also called: VERTEBRAL OSSIFICATION, DEFECT IN, WITH NEPHROGENIC RESTS. Identifiers: Orphanet 66637, MedGen C1842691, MONDO:0011946, OMIM 608022.

Allele frequency attached by ClinVar (database versions not stated): TOPMed 0.00008; gnomAD 0.00013 and 0.00038; 1000 Genomes Project 30x 0.00156; 1000 Genomes Project 0.00200.

Submission:

Illumina Laboratory Services, Illumina
Classification: Likely benign for Diaphanospondylodysostosis. Last evaluated: 2018-01-13. Review status: criteria provided, single submitter. Criteria: ICSL Variant Classification Criteria 13 December 2019. Collection method: clinical testing. Allele origin: germline.
Comment: This variant was observed in the ICSL laboratory as part of a predisposition screen in an ostensibly healthy population. It had not been previously curated by ICSL or reported in the Human Gene Mutation Database (HGMD: prior to June 1st, 2018), and was therefore a candidate for classification through an automated scoring system. Utilizing variant allele frequency, disease prevalence and penetrance estimates, and inheritance mode, an automated score was calculated to assess if this variant is too frequent to cause the disease. Based on the score and internal cut-off values, a variant classified as likely benign is not then subjected to further curation. The score for this variant resulted in a classification of likely benign for this disease.